The following is an entry in ClinVar:

NM_001297719.2(BMAL1):c.1727dup (p.Asn576fs)

Gene: BMAL1 (basic helix-loop-helix ARNT like 1; plus strand). Cytogenetic location: 11p15.3.
Variant type: Duplication.
Coding change: c.1727dup on transcript NM_001297719.2 (MANE Select); coding-DNA position 1727, one base duplicated (A; older notation c.1727dupA).
Protein change: p.Asn576fs; shifts the reading frame from asparagine 576.
Molecular consequence: frameshift variant. On other transcripts: non-coding transcript variant (7).
Genome position (GRCh38, 1-based): chr11:13,386,602, A duplicated; the last of 2 consecutive A bases (chr11:13,386,601-13,386,602); duplicating either gives the same sequence. VCF-style (leftmost placement, unchanged base first): chr11-13386600-G-GA. GRCh37 (hg19) VCF-style: chr11-13408147-G-GA.
Other names: c.1724dup, p.Asn575fs (NM_001030272.3, NM_001178.6, NM_001351804.1 and 1 more transcripts); c.1595dup, p.Asn532fs (NM_001030273.3, NM_001351818.2); c.1727dup, p.Asn576fs (NM_001297722.2, NM_001351824.2); c.1598dup, p.Asn533fs (NM_001297724.2, NM_001351808.2, NM_001351816.2 and 3 more transcripts); c.1688dup, p.Asn563fs (NM_001351805.2); c.1685dup, p.Asn562fs (NM_001351806.2); c.1742dup, p.Asn581fs (NM_001351807.2, NM_001351814.2); c.1676dup, p.Asn559fs (NM_001351809.2, NM_001351812.2); and 5 more; short protein forms N458fs, N563fs, N580fs, N326fs, N532fs, N533fs, N538fs, N576fs.
Identifiers: ClinVar variation 4784905 (VCV004784905.1).

ClinVar aggregate classification (germline): Uncertain significance (1 of 4 stars; one submission).

Submission:

Labcorp Genetics (formerly Invitae), Labcorp
Classification: Uncertain significance. Last evaluated: 2025-11-08. Review status: criteria provided, single submitter. Criteria: Invitae Variant Classification Sherloc (09022015). Collection method: clinical testing. Allele origin: germline.
Comment: This sequence change creates a premature translational stop signal (p.Asn576Lysfs*10) in the ARNTL gene. While this is not anticipated to result in nonsense mediated decay, it is expected to disrupt the last 51 amino acid(s) of the ARNTL protein. This variant is not present in population databases (gnomAD no frequency). This variant has not been reported in the literature in individuals affected with ARNTL-related conditions. In summary, the available evidence is currently insufficient to determine the role of this variant in disease. Therefore, it has been classified as a Variant of Uncertain Significance.